The following is an entry in ClinVar:

NM_001256071.3(RNF213):c.15062C>T (p.Ala5021Val)

Genes: RNF213 (ring finger protein 213; plus strand), RNF213-AS1 (RNF213 antisense RNA 1; minus strand). Cytogenetic location: 17q25.3.
Variant type: single nucleotide variant.
Coding change: c.15062C>T on transcript NM_001256071.3 (MANE Select); coding-DNA position 15062, C replaced by T.
Protein change: p.Ala5021Val; replaces alanine 5021 with valine.
Molecular consequence: missense variant.
Genome position (GRCh38, 1-based): chr17:80,389,234, C>T. VCF-style: chr17-80389234-C-T. GRCh37 (hg19) VCF-style: chr17-78363034-C-T.
Other names: p.Ala5021Val; c.15209C>T, p.Ala5070Val (NM_001410195.1, NM_020914.5); short protein forms A5021V, A5070V.
Identifiers: ClinVar variation 3723000 (VCV003723000.3).
Genomic context (GRCh38, chr17:80,389,234, plus strand): 5'-ACTCCCTCCCCAGCTCGGTCATTAGTGCCATCAGTGGACAGCTGCAGTCCTACAGCGATG[C>T]CTGTGAAGTGCTGTCTGTCGTAGAAGTCACTCTGGGGTTTCTGAGCACAGCTGGTGGGGA-3'
Protein context (NP_001243000.2, residues 5011-5031): ISGQLQSYSD[Ala5021Val]CEVLSVVEVT

ClinVar aggregate classification (germline): Benign/Likely benign. Review status: criteria provided, multiple submitters, no conflicts (2 of 4 stars). 2 submissions from 2 submitters: Benign (1); Likely benign (1). Last evaluated 2025-10-03.

gnomAD v4.1: 134 of 1,614,188 alleles (0.0083%); highest among the groups gnomAD compares: East Asian, 0.25%; no homozygotes.

Submissions (2):

Mayo Clinic Laboratories, Mayo Clinic
Classification: Likely benign. Last evaluated: 2025-10-03. Review status: criteria provided, single submitter. Criteria: ACMG Guidelines, 2015. Collection method: clinical testing. Allele origin: germline. Observed: 1 variant allele.
Comment: BS1, BP4_moderate

Labcorp Genetics (formerly Invitae), Labcorp
Classification: Benign. Last evaluated: 2024-02-16. Review status: criteria provided, single submitter. Criteria: Invitae Variant Classification Sherloc (09022015). Collection method: clinical testing. Allele origin: germline.

Literature cited by the submitters: PubMed 21799892 (cited by Mayo Clinic Laboratories, Mayo Clinic); PubMed 28617845 (cited by Mayo Clinic Laboratories, Mayo Clinic); PubMed 29165161 (cited by Mayo Clinic Laboratories, Mayo Clinic).